The following is an entry in ClinVar:

ClinVar aggregate classification (germline): Pathogenic/Likely pathogenic. Review status: criteria provided, multiple submitters, no conflicts (2 of 4 stars). 4 submissions from 4 submitters: Pathogenic (2); Likely pathogenic (2). Last evaluated 2025-08-24.

Conditions:
Cardiovascular phenotype. Identifiers: MedGen CN230736.
Arrhythmogenic cardiomyopathy with wooly hair and keratoderma. Also called: PALMOPLANTAR KERATODERMA WITH LEFT VENTRICULAR CARDIOMYOPATHY AND WOOLLY HAIR; Carvajal syndrome; Dilated cardiomyopathy with woolly hair and keratoderma; Arrhythmogenic cardiomyopathy with woolly hair and keratoderma. Identifiers: Orphanet 65282, MedGen C1854063, MONDO:0011581, OMIM 605676.
Arrhythmogenic right ventricular dysplasia 8 (ARVD8). Also called: ARRHYTHMOGENIC RIGHT VENTRICULAR DYSPLASIA, FAMILIAL, 8; Arrhythmogenic Right Ventricular Dysplasia/Cardiomyopathy 8; ARRHYTHMOGENIC RIGHT VENTRICULAR CARDIOMYOPATHY 8. Identifiers: MedGen C1843896, MONDO:0011831, OMIM 607450.

gnomAD v4.1: 3 of 1,613,982 alleles (0.00019%); highest among the groups gnomAD compares: Admixed American, 0.0017%; no homozygotes.

Submissions (4):

Labcorp Genetics (formerly Invitae), Labcorp
Classification: Pathogenic for Arrhythmogenic cardiomyopathy with wooly hair and keratoderma; Arrhythmogenic right ventricular dysplasia 8. Last evaluated: 2025-08-24. Review status: criteria provided, single submitter. Criteria: Invitae Variant Classification Sherloc (09022015). Collection method: clinical testing. Allele origin: germline.
Comment: This sequence change creates a premature translational stop signal (p.Glu1597*) in the DSP gene. It is expected to result in an absent or disrupted protein product. Loss-of-function variants in DSP are known to be pathogenic (PMID: 20716751, 24503780, 25227139). This variant is not present in population databases (gnomAD no frequency). This variant has not been reported in the literature in individuals affected with DSP-related conditions. ClinVar contains an entry for this variant (Variation ID: 1455338). For these reasons, this variant has been classified as Pathogenic.

GeneDx
Classification: Likely pathogenic. Last evaluated: 2024-12-05. Review status: criteria provided, single submitter. Criteria: GeneDx Variant Classification Process June 2021. Collection method: clinical testing. Allele origin: germline. Affected: yes.
Comment: Nonsense variant predicted to result in protein truncation or nonsense mediated decay in a gene for which loss of function is a known mechanism of disease; Not observed at significant frequency in large population cohorts (gnomAD); This variant is associated with the following publications: (PMID: 31638835, 35381313)

Ambry Genetics
Classification: Pathogenic for Cardiovascular phenotype. Last evaluated: 2024-10-18. Review status: criteria provided, single submitter. Criteria: Ambry Variant Classification Scheme 2023. Collection method: clinical testing. Allele origin: germline.
Comment: The c.4789G>T (p.E1597*) alteration, located in exon 23 (coding exon 23) of the DSP gene, consists of a G to T substitution at nucleotide position 4789. This changes the amino acid from a glutamic acid (E) to a stop codon at amino acid position 1597. This alteration is expected to result in loss of function by premature protein truncation or nonsense-mediated mRNA decay. This variant was not reported in population-based cohorts in the Genome Aggregation Database (gnomAD). Alterations in DSP that result in haploinsufficiency or protein truncation have been reported in patients with arrhythmogenic right ventricular cardiomyopathy (ARVC) and dilated cardiomyopathy (DCM) (Fressart, 2010; Elliott, 2010; Quarta, 2011; Garcia-Pavia, 2011; Rasmussen, 2013; Pugh, 2014). Based on the available evidence, this alteration is classified as pathogenic.

Clinical Genetics Laboratory, Skane University Hospital Lund
Classification: Likely pathogenic. Last evaluated: 2022-12-06. Review status: criteria provided, single submitter. Criteria: ACMG Guidelines, 2015. Collection method: clinical testing. Allele origin: germline. Affected: yes.

Literature cited by the submitters: PubMed 20716751 (cited by Labcorp Genetics (formerly Invitae), Labcorp and Ambry Genetics); PubMed 24503780 (cited by Labcorp Genetics (formerly Invitae), Labcorp and Ambry Genetics); PubMed 25227139 (cited by Labcorp Genetics (formerly Invitae), Labcorp); PubMed 20400443 (cited by Ambry Genetics); PubMed 21606390 (cited by Ambry Genetics); PubMed 21859740 (cited by Ambry Genetics); PubMed 23137101 (cited by Ambry Genetics).

NM_004415.4(DSP):c.4789G>T (p.Glu1597Ter)

Gene: DSP (desmoplakin; plus strand). Cytogenetic location: 6p24.3.
Variant type: single nucleotide variant.
Coding change: c.4789G>T on transcript NM_004415.4 (MANE Select); coding-DNA position 4789, G replaced by T.
Protein change: p.Glu1597Ter; replaces glutamic acid 1597 with a stop codon.
Molecular consequence: nonsense. On other transcripts: intron variant (2).
Genome position (GRCh38, 1-based): chr6:7,580,979, G>T. VCF-style: chr6-7580979-G-T. GRCh37 (hg19) VCF-style: chr6-7581212-G-T.
Other names: c.4050+739G>T (NM_001319034.2); c.3582+1207G>T (NM_001008844.3); short protein forms E1597*.
Identifiers: ClinVar variation 1455338 (VCV001455338.12), dbSNP rs1259613160, ClinGen allele CA362687162.
Genomic context (GRCh38, chr6:7,580,979, plus strand): 5'-CTGAATCGGCTGAAGAGGACCGCGTCAGAAGACTCCTGCAAGAGGAAGAAGCTGGAGGAA[G>T]AGCTGGAAGGCATGAGGAGGTCGCTGAAGGAGCAAGCCATCAAAATCACCAACCTGACCC-3'